The following is an entry in ClinVar:

ClinVar aggregate classification (germline): Conflicting classifications of pathogenicity. Review status: criteria provided, conflicting classifications (1 of 4 stars). 4 submissions from 4 submitters: Uncertain significance (3); Likely benign (1). Last evaluated 2026-02-11.

Conditions:
Inborn genetic diseases. Identifiers: MedGen C0950123, MeSH D030342.
Acute myeloid leukemia (AML). Also called: Leukemia, acute myeloid, somatic; Leukemia, acute myelogenous, somatic; Acute myeloid leukemia, adult; AML adult; Acute non-lymphocytic leukemia; Acute granulocytic leukemia. Identifiers: Orphanet 519, MedGen C0023467, MeSH D015470, MONDO:0018874, OMIM 601626, HP:0004808. Disease mechanism: Constitutively activated FLT3.

Allele frequency attached by ClinVar (database versions not stated): TOPMed 0.00002; gnomAD 0.00004 and 0.00005; gnomAD exomes 0.00032.

Submissions (4):

St. Jude Molecular Pathology, St. Jude Children's Research Hospital
Classification: Uncertain significance for Acute myeloid leukemia. Last evaluated: 2026-02-11. Review status: criteria provided, single submitter. Criteria: St. Jude Assertion Criteria 2020. Collection method: clinical testing. Allele origin: germline.
Comment: The CEBPA c.392A>T p.(Tyr131Phe) missense change has a maximum subpopulation frequency of 0.01% in gnomAD v2.1.1, however this data may be unreliable due to poor coverage at this location. The in silico tool REVEL predicts a benign effect on protein function, but to our knowledge this prediction has not been confirmed by functional studies. To our knowledge, this variant has not been reported in the literature in individuals with familial acute myeloid leukemia. In summary, the evidence currently available is insufficient to determine the clinical significance of this variant. It has therefore been classified as of uncertain significance.

Labcorp Genetics (formerly Invitae), Labcorp
Classification: Uncertain significance for Acute myeloid leukemia. Last evaluated: 2025-12-21. Review status: criteria provided, single submitter. Criteria: Invitae Variant Classification Sherloc (09022015). Collection method: clinical testing. Allele origin: germline.
Comment: This sequence change replaces tyrosine, which is neutral and polar, with phenylalanine, which is neutral and non-polar, at codon 131 of the CEBPA protein (p.Tyr131Phe). This variant is present in population databases (no rsID available, gnomAD 0.01%). This variant has not been reported in the literature in individuals affected with CEBPA-related conditions. ClinVar contains an entry for this variant (Variation ID: 570057). Invitae Evidence Modeling of protein sequence and biophysical properties (such as structural, functional, and spatial information, amino acid conservation, physicochemical variation, residue mobility, and thermodynamic stability) indicates that this missense variant is not expected to disrupt CEBPA protein function with a negative predictive value of 80%. In summary, the available evidence is currently insufficient to determine the role of this variant in disease. Therefore, it has been classified as a Variant of Uncertain Significance.

Ambry Genetics
Classification: Likely benign for Inborn genetic diseases. Last evaluated: 2025-01-10. Review status: criteria provided, single submitter. Criteria: Ambry Variant Classification Scheme 2023. Collection method: clinical testing. Allele origin: germline.

GeneDx
Classification: Uncertain significance. Last evaluated: 2022-08-23. Review status: criteria provided, single submitter. Criteria: GeneDx Variant Classification Process June 2021. Collection method: clinical testing. Allele origin: germline. Affected: yes.
Comment: In silico analysis supports that this missense variant does not alter protein structure/function; Has not been previously published as pathogenic or benign to our knowledge; This variant is associated with the following publications: (PMID: 21455213)

NM_004364.5(CEBPA):c.392A>T (p.Tyr131Phe)

Gene: CEBPA (CCAAT enhancer binding protein alpha; minus strand). Cytogenetic location: 19q13.11.
Variant type: single nucleotide variant.
Coding change: c.392A>T on transcript NM_004364.5 (MANE Select); coding-DNA position 392, A replaced by T.
Protein change: p.Tyr131Phe; replaces tyrosine 131 with phenylalanine.
Molecular consequence: missense variant.
Genome position (GRCh38, 1-based): chr19:33,302,023, T>A on the plus strand (A>T on the coding strand, the complement: CEBPA is on the minus strand). VCF-style: chr19-33302023-T-A. GRCh37 (hg19) VCF-style: chr19-33792929-T-A.
Other names: c.392A>T (NM_004364.3); c.35A>T, p.Tyr12Phe (NM_001285829.2); c.497A>T, p.Tyr166Phe (NM_001287424.2); c.350A>T, p.Tyr117Phe (NM_001287435.2); short protein forms Y131F, Y166F, Y117F, Y12F.
Identifiers: ClinVar variation 570057 (VCV000570057.14), dbSNP rs1300977671, ClinGen allele CA405275050.
Genomic context (GRCh38, chr19:33,302,023, plus strand): 5'-CCGACGCGCTCGTACAGGGGCTCCAGCCTGCCGTCCAGGTAGCCGGCGGCCGCGCAGCCG[T>A]AGCCGGGCGGGGGCCCGTGCGCTCCCCCGGGCATGACGGCGCCGCCGGGGCCCGCGGGCG-3'
Protein context (NP_004355.2, residues 121-141): PGGAHGPPPG[Tyr131Phe]GCAAAGYLDG